The following is an entry in ClinVar:

ClinVar aggregate classification (germline): Uncertain significance. Review status: criteria provided, multiple submitters, no conflicts (2 of 4 stars). 3 submissions from 3 submitters: Uncertain significance (3). Last evaluated 2025-07-12.

Conditions:
RASopathy. Also called: rasopathies; Noonan spectrum disorder. Identifiers: Orphanet 536391, MedGen C5555857, MONDO:0021060.
CBL-related disorder. Also called: NOONAN SYNDROME-LIKE DISORDER WITHOUT JUVENILE MYELOMONOCYTIC LEUKEMIA; CBL MUTATION-ASSOCIATED SYNDROME; CBL SYNDROME. Identifiers: Orphanet 363972, MedGen C3150803, MONDO:0013308, OMIM 613563.
Cardiovascular phenotype. Identifiers: MedGen CN230736.

Allele frequency attached by ClinVar (database versions not stated): gnomAD exomes below 0.00001; ExAC 0.00001; TOPMed 0.00002.
gnomAD v4.1: 3 of 1,614,028 alleles (0.00019%); highest among the groups gnomAD compares: Non-Finnish European, 0.00025%; no homozygotes.

Submissions (3):

Ambry Genetics
Classification: Uncertain significance for Cardiovascular phenotype. Last evaluated: 2025-07-12. Review status: criteria provided, single submitter. Criteria: Ambry Variant Classification Scheme 2023. Collection method: clinical testing. Allele origin: germline.

Labcorp Genetics (formerly Invitae), Labcorp
Classification: Uncertain significance for RASopathy. Last evaluated: 2024-10-15. Review status: criteria provided, single submitter. Criteria: Invitae Variant Classification Sherloc (09022015). Collection method: clinical testing. Allele origin: germline.
Comment: This sequence change replaces serine, which is neutral and polar, with glycine, which is neutral and non-polar, at codon 216 of the CBL protein (p.Ser216Gly). This variant is present in population databases (rs763760976, gnomAD 0.0009%). This variant has not been reported in the literature in individuals affected with CBL-related conditions. ClinVar contains an entry for this variant (Variation ID: 1919548). Invitae Evidence Modeling of protein sequence and biophysical properties (such as structural, functional, and spatial information, amino acid conservation, physicochemical variation, residue mobility, and thermodynamic stability) indicates that this missense variant is not expected to disrupt CBL protein function with a negative predictive value of 95%. In summary, the available evidence is currently insufficient to determine the role of this variant in disease. Therefore, it has been classified as a Variant of Uncertain Significance.

PreventionGenetics, part of Exact Sciences
Classification: Uncertain significance for CBL-related condition. Last evaluated: 2023-04-06. Review status: criteria provided, single submitter. Criteria: ACMG Guidelines, 2015. Collection method: clinical testing. Allele origin: germline.
Comment: The CBL c.646A>G variant is predicted to result in the amino acid substitution p.Ser216Gly. To our knowledge, this variant has not been reported in the literature. This variant is reported in 0.00088% of alleles in individuals of European (Non-Finnish) descent in gnomAD. At this time, the clinical significance of this variant is uncertain due to the absence of conclusive functional and genetic evidence.

NM_005188.4(CBL):c.646A>G (p.Ser216Gly)

Gene: CBL (Cbl proto-oncogene; plus strand). Cytogenetic location: 11q23.3.
Variant type: single nucleotide variant.
Coding change: c.646A>G on transcript NM_005188.4 (MANE Select); coding-DNA position 646, A replaced by G.
Protein change: p.Ser216Gly; replaces serine 216 with glycine.
Molecular consequence: missense variant.
Genome position (GRCh38, 1-based): chr11:119,273,923, A>G. VCF-style: chr11-119273923-A-G. GRCh37 (hg19) VCF-style: chr11-119144633-A-G.
Other names: c.646A>G (NM_005188.2); short protein forms S216G.
Identifiers: ClinVar variation 1919548 (VCV001919548.7), dbSNP rs763760976, ClinGen allele CA6318324.